The following is an entry in ClinVar:

NM_001267550.2(TTN):c.22321C>T (p.Arg7441Ter)

Gene: TTN (titin; minus strand). Cytogenetic location: 2q31.2.
Variant type: single nucleotide variant.
Coding change: c.22321C>T on transcript NM_001267550.2 (MANE Select); coding-DNA position 22321, C replaced by T.
Protein change: p.Arg7441Ter; replaces arginine 7441 with a stop codon.
Molecular consequence: nonsense. On other transcripts: intron variant (3).
Genome position (GRCh38, 1-based): chr2:178,722,466, G>A on the plus strand (C>T on the coding strand, the complement: TTN is on the minus strand). VCF-style: chr2-178722466-G-A. GRCh37 (hg19) VCF-style: chr2-179587193-G-A.
Other names: c.21370C>T, p.Arg7124Ter (NM_001256850.1); c.18589C>T, p.Arg6197Ter (NM_133378.4); c.13282+15616C>T (NM_003319.4); c.13858+15616C>T (NM_133437.4); c.13657+15616C>T (NM_133432.3); short protein forms R6197*, R7124*, R7441*.
Identifiers: ClinVar variation 2947268 (VCV002947268.3), dbSNP rs746136883, ClinGen allele CA2000853.

ClinVar aggregate classification (germline): Likely pathogenic (1 of 4 stars; one submission).

Conditions:
Dilated cardiomyopathy 1G (CMD1G). Identifiers: Orphanet 154, MedGen C1858763, MONDO:0011400, OMIM 604145.
Autosomal recessive limb-girdle muscular dystrophy type 2J (LGMDR10). Also called: Limb-girdle muscular dystrophy, type 2J; MUSCULAR DYSTROPHY, LIMB-GIRDLE, AUTOSOMAL RECESSIVE 10. Identifiers: Orphanet 140922, MedGen C1837342, MONDO:0012127, OMIM 608807.

Allele frequency attached by ClinVar (database versions not stated): ExAC 0.00001.
gnomAD v4.1: 3 of 1,613,338 alleles (0.00019%); highest among the groups gnomAD compares: Admixed American, 0.0017%; no homozygotes.

Submission:

Labcorp Genetics (formerly Invitae), Labcorp
Classification: Likely pathogenic for Dilated cardiomyopathy 1G; Autosomal recessive limb-girdle muscular dystrophy type 2J. Last evaluated: 2025-06-11. Review status: criteria provided, single submitter. Criteria: Invitae Variant Classification Sherloc (09022015). Collection method: clinical testing. Allele origin: germline.
Comment: This sequence change creates a premature translational stop signal (p.Arg7441*) in the TTN gene. While this is not anticipated to result in nonsense mediated decay, it is expected to create a truncated TTN protein. This variant is present in population databases (rs746136883, gnomAD 0.003%). This variant has not been reported in the literature in individuals affected with TTN-related conditions. ClinVar contains an entry for this variant (Variation ID: 2947268). Algorithms developed to predict the effect of sequence changes on RNA splicing suggest that this variant may disrupt the consensus splice site. This variant is located in the I band of TTN (PMID: 25589632). Truncating variants in this region have been reported in individuals affected with autosomal recessive centronuclear myopathy (PMID: 23975875, internal data). Truncating variants in this region have also been identified in individuals affected with autosomal dominant dilated cardiomyopathy and/or cardio-related conditions (PMID: 27869827, 32964742, internal data). In summary, the currently available evidence indicates that the variant is pathogenic, but additional data are needed to prove that conclusively. Therefore, this variant has been classified as Likely Pathogenic.

Literature cited by the submitters: PubMed 25589632; PubMed 23975875; PubMed 27869827; PubMed 32964742.